The following is an entry in ClinVar:

ClinVar aggregate classification (germline): Pathogenic. Review status: reviewed by expert panel (3 of 4 stars). 3 submissions from 3 submitters: Pathogenic (1). 2 of the submissions do not count toward it. Last evaluated 2016-10-18.

Conditions:
Hereditary breast ovarian cancer syndrome. Also called: Hereditary breast and ovarian cancer syndrome (HBOC); Breast and ovarian cancer; Hereditary breast and ovarian cancer syndrome; Hereditary breast and ovarian cancer; BRCA1- and BRCA2-Associated Hereditary Breast and Ovarian Cancer; Hereditary breast and/or ovarian cancer syndrome. Identifiers: Orphanet 145, MedGen C0677776, MeSH D061325, MONDO:0003582. Disease mechanism: loss of function.
Breast-ovarian cancer, familial, susceptibility to, 1 (BROVCA1). Also called: BRCA1 Hereditary Breast and Ovarian Cancer; OVARIAN CANCER, SUSCEPTIBILITY TO. Identifiers: Orphanet 145, MedGen C2676676, MONDO:0011450, OMIM 604370. Disease mechanism: loss of function.

Submissions (3):

Evidence-based Network for the Interpretation of Germline Mutant Alleles (ENIGMA)
Classification: Pathogenic for Breast-ovarian cancer, familial, susceptibility to, 1. Last evaluated: 2016-10-18. Review status: reviewed by expert panel. Criteria: ENIGMA BRCA1/2 Classification Criteria (2015). Collection method: curation. Allele origin: germline.
Comment: Variant allele predicted to encode a truncated non-functional protein.

Labcorp Genetics (formerly Invitae), Labcorp
Classification: Pathogenic for Hereditary breast ovarian cancer syndrome. Last evaluated: 2025-04-21. Review status: criteria provided, single submitter. Criteria: Invitae Variant Classification Sherloc (09022015). Collection method: clinical testing. Allele origin: germline. Not counted in ClinVar's aggregate classification.
Comment: This sequence change creates a premature translational stop signal (p.Asn714Glnfs*23) in the BRCA1 gene. It is expected to result in an absent or disrupted protein product. Loss-of-function variants in BRCA1 are known to be pathogenic (PMID: 20104584). This variant is not present in population databases (gnomAD no frequency). This variant has not been reported in the literature in individuals affected with BRCA1-related conditions. ClinVar contains an entry for this variant (Variation ID: 266224). For these reasons, this variant has been classified as Pathogenic.

Consortium of Investigators of Modifiers of BRCA1/2 (CIMBA), c/o University of Cambridge
Classification: Pathogenic for Breast-ovarian cancer, familial, susceptibility to, 1. Last evaluated: 2015-10-02. Review status: criteria provided, single submitter. Criteria: CIMBA Mutation Classification guidelines May 2016. Collection method: clinical testing. Allele origin: germline. Not counted in ClinVar's aggregate classification.

Literature cited by the submitters: PubMed 20104584 (cited by Labcorp Genetics (formerly Invitae), Labcorp).

NM_007294.4(BRCA1):c.2138_2139dup (p.Asn714fs)

Gene: BRCA1 (BRCA1 DNA repair associated; minus strand). Cytogenetic location: 17q21.31.
Variant type: Duplication.
Coding change: c.2138_2139dup on transcript NM_007294.4 (MANE Select); coding-DNA positions 2138 to 2139, 2 bases duplicated (CA; older notation c.2138_2139dupCA).
Protein change: p.Asn714fs; shifts the reading frame from asparagine 714.
Molecular consequence: frameshift variant. On other transcripts: intron variant (137).
Genome position (GRCh38, 1-based): chr17:43,093,392-43,093,393, TG duplicated on the plus strand (CA on the coding strand, the reverse complement: BRCA1 is on the minus strand). VCF-style (leftmost placement, unchanged base first): chr17-43093391-T-TTG. GRCh37 (hg19) VCF-style: chr17-41245408-T-TTG.
Other names: 2258insCA; c.1994_1995dup, p.Asn666fs (NM_001407843.1, NM_001407844.1, NM_001407845.1 and 20 more transcripts); c.1997_1998dup, p.Asn667fs (NM_001407850.1, NM_001407851.1, NM_001407852.1 and 29 more transcripts); c.1925_1926dup, p.Asn643fs (NM_001407853.1, NM_001407894.1, NM_001407895.1 and 9 more transcripts); c.2138_2139dup, p.Asn714fs (NM_001407854.1, NM_001407858.1, NM_001407859.1 and 30 more transcripts); c.2135_2136dup, p.Asn713fs (NM_001407860.1, NM_001407861.1, NM_001407587.1 and 22 more transcripts); c.1937_1938dup, p.Asn647fs (NM_001407862.1); c.2015_2016dup, p.Asn673fs (NM_001407863.1, NM_001407919.1, NM_001407937.1 and 19 more transcripts); and 42 more; short protein forms N714fs, N667fs, N587fs, N626fs, N666fs, N672fs, N687fs, N546fs.
Identifiers: ClinVar variation 266224 (VCV000266224.9), dbSNP rs886040002, ClinGen allele CA10589887.
Genomic context (GRCh38, chr17:43,093,391, plus strand): 5'-TCTCTTCTTTTTCTTCTCTTGGAAGGCTAGGATTGACAAATTCTTTAAGTTCACTGGTAT[T>TTG]TGAACACTTAGTAAAAGAACCAGGTGCATTTGTTAACTTCAGCTCTGGGAAAGTATCGCT-3'